The following is an entry in ClinVar:

ClinVar aggregate classification (germline): Uncertain significance (1 of 4 stars; one submission).

Submission:

Labcorp Genetics (formerly Invitae), Labcorp
Classification: Uncertain significance. Last evaluated: 2025-10-02. Review status: criteria provided, single submitter. Criteria: Invitae Variant Classification Sherloc (09022015). Collection method: clinical testing. Allele origin: germline.
Comment: This sequence change replaces lysine, which is basic and polar, with glutamine, which is neutral and polar, at codon 890 of the MAGEL2 protein (p.Lys890Gln). This variant is present in population databases (rs368189645, gnomAD 0.02%). This variant has not been reported in the literature in individuals affected with MAGEL2-related conditions. Invitae Evidence Modeling of protein sequence and biophysical properties (such as structural, functional, and spatial information, amino acid conservation, physicochemical variation, residue mobility, and thermodynamic stability) indicates that this missense variant is not expected to disrupt MAGEL2 protein function with a negative predictive value of 80%. In summary, the available evidence is currently insufficient to determine the role of this variant in disease. Therefore, it has been classified as a Variant of Uncertain Significance.

NM_019066.5(MAGEL2):c.2668A>C (p.Lys890Gln)

Gene: MAGEL2 (MAGE family member L2; minus strand). Cytogenetic location: 15q11.2.
Variant type: single nucleotide variant.
Coding change: c.2668A>C on transcript NM_019066.5 (MANE Select); coding-DNA position 2668, A replaced by C.
Protein change: p.Lys890Gln; replaces lysine 890 with glutamine.
Molecular consequence: missense variant.
Genome position (GRCh38, 1-based): chr15:23,645,075, T>G on the plus strand (A>C on the coding strand, the complement: MAGEL2 is on the minus strand). VCF-style: chr15-23645075-T-G. GRCh37 (hg19) VCF-style: chr15-23890222-T-G.
Other names: short protein forms K890Q.
Identifiers: ClinVar variation 4777624 (VCV004777624.1).